The following is an entry in ClinVar:

NM_003630.3(PEX3):c.164A>C (p.Gln55Pro)

Gene: PEX3 (peroxisomal biogenesis factor 3; plus strand). Cytogenetic location: 6q24.2.
Variant type: single nucleotide variant.
Coding change: c.164A>C on transcript NM_003630.3 (MANE Select); coding-DNA position 164, A replaced by C.
Protein change: p.Gln55Pro; replaces glutamine 55 with proline.
Molecular consequence: missense variant.
Genome position (GRCh38, 1-based): chr6:143,459,175, A>C. VCF-style: chr6-143459175-A-C. GRCh37 (hg19) VCF-style: chr6-143780312-A-C.
Other names: short protein forms Q55P.
Identifiers: ClinVar variation 2093859 (VCV002093859.1), dbSNP rs1779885990, ClinGen allele CA365905308.

ClinVar aggregate classification (germline): Uncertain significance (1 of 4 stars; one submission).

Allele frequency attached by ClinVar (database versions not stated): TOPMed below 0.00001; gnomAD 0.00001.
gnomAD v4.1: 1 of 1,612,692 alleles (0.000062%); highest among the groups gnomAD compares: Non-Finnish European, 0.000085%; no homozygotes.

Submission:

Labcorp Genetics (formerly Invitae), Labcorp
Classification: Uncertain significance. Last evaluated: 2022-02-06. Review status: criteria provided, single submitter. Criteria: Invitae Variant Classification Sherloc (09022015). Collection method: clinical testing. Allele origin: germline.
Comment: This sequence change replaces glutamine, which is neutral and polar, with proline, which is neutral and non-polar, at codon 55 of the PEX3 protein (p.Gln55Pro). This variant is not present in population databases (gnomAD no frequency). This variant has not been reported in the literature in individuals affected with PEX3-related conditions. Algorithms developed to predict the effect of missense changes on protein structure and function (SIFT, PolyPhen-2, Align-GVGD) all suggest that this variant is likely to be tolerated. In summary, the available evidence is currently insufficient to determine the role of this variant in disease. Therefore, it has been classified as a Variant of Uncertain Significance.